The following is an entry in ClinVar:

ClinVar aggregate classification (germline): Pathogenic (1 of 4 stars; one submission).

Conditions:
Bardet-Biedl syndrome (BBS). Identifiers: Orphanet 110, MedGen C0752166, MONDO:0015229.

Submission:

Labcorp Genetics (formerly Invitae), Labcorp
Classification: Pathogenic for Bardet-Biedl syndrome. Last evaluated: 2025-05-28. Review status: criteria provided, single submitter. Criteria: Invitae Variant Classification Sherloc (09022015). Collection method: clinical testing. Allele origin: germline.
Comment: This sequence change creates a premature translational stop signal (p.Gly295Argfs*9) in the BBS7 gene. It is expected to result in an absent or disrupted protein product. Loss-of-function variants in BBS7 are known to be pathogenic (PMID: 12567324, 19402160, 21209035, 31196119). This variant is present in population databases (no rsID available, gnomAD 0.003%). This variant has not been reported in the literature in individuals affected with BBS7-related conditions. Algorithms developed to predict the effect of sequence changes on RNA splicing suggest that this variant may disrupt the consensus splice site. For these reasons, this variant has been classified as Pathogenic.

Literature cited by the submitters: PubMed 12567324; PubMed 19402160; PubMed 21209035; PubMed 31196119.

NM_176824.3(BBS7):c.882_883insA (p.Gly295fs)

Gene: BBS7 (Bardet-Biedl syndrome 7; minus strand). Cytogenetic location: 4q27.
Variant type: Insertion.
Coding change: c.882_883insA on transcript NM_176824.3 (MANE Select); coding-DNA positions 882 to 883, A inserted.
Protein change: p.Gly295fs; shifts the reading frame from glycine 295.
Molecular consequence: frameshift variant.
Genome position: GRCh38 VCF-style: chr4-121848895-C-CT. GRCh37 (hg19) VCF-style: chr4-122770050-C-CT.
Other names: c.882_883insA, p.Gly295fs (NM_018190.4); short protein forms G295fs.
Identifiers: ClinVar variation 4737446 (VCV004737446.1).
Genomic context (GRCh38, chr4:121,848,895, plus strand): 5'-TTACTTTACCTGAATATGTGGACACCACGATTTCATCATAGCTGTCTTTTCCTACACAAC[C>CT]ACCCTGGATAGATGTGACGCTTTCAGACAACATCTAAAAAAGTTTAAGACCAAGCACTTC-3'